The following is an entry in ClinVar:

ClinVar aggregate classification (germline): Uncertain significance. Review status: criteria provided, multiple submitters, no conflicts (2 of 4 stars). 2 submissions from 2 submitters: Uncertain significance (2). Last evaluated 2023-02-22.

Allele frequency attached by ClinVar (database versions not stated): gnomAD exomes below 0.00001; ExAC 0.00004; gnomAD 0.00005; TOPMed 0.00008.
gnomAD v4.1: 11 of 1,613,926 alleles (0.00068%); highest among the groups gnomAD compares: African/African-American, 0.015%; no homozygotes.

Submissions (2):

Labcorp Genetics (formerly Invitae), Labcorp
Classification: Uncertain significance. Last evaluated: 2023-02-22. Review status: criteria provided, single submitter. Criteria: Invitae Variant Classification Sherloc (09022015). Collection method: clinical testing. Allele origin: germline.
Comment: In summary, the available evidence is currently insufficient to determine the role of this variant in disease. Therefore, it has been classified as a Variant of Uncertain Significance. Algorithms developed to predict the effect of missense changes on protein structure and function output the following: SIFT: "Not Available"; PolyPhen-2: "Benign"; Align-GVGD: "Not Available". The alanine amino acid residue is found in multiple mammalian species, which suggests that this missense change does not adversely affect protein function. This variant has not been reported in the literature in individuals affected with FAT2-related conditions. This variant is present in population databases (rs752886589, gnomAD 0.03%). This sequence change replaces threonine, which is neutral and polar, with alanine, which is neutral and non-polar, at codon 3539 of the FAT2 protein (p.Thr3539Ala).

Ambry Genetics
Classification: Uncertain significance. Last evaluated: 2022-11-30. Review status: criteria provided, single submitter. Criteria: Ambry Variant Classification Scheme 2023. Collection method: clinical testing. Allele origin: germline.

NM_001447.3(FAT2):c.10615A>G (p.Thr3539Ala)

Genes: FAT2 (FAT atypical cadherin 2; minus strand), SLC36A1 (solute carrier family 36 member 1; plus strand). Cytogenetic location: 5q33.1.
Variant type: single nucleotide variant.
Coding change: c.10615A>G on transcript NM_001447.3 (MANE Select); coding-DNA position 10615, A replaced by G.
Protein change: p.Thr3539Ala; replaces threonine 3539 with alanine.
Molecular consequence: missense variant.
Genome position (GRCh38, 1-based): chr5:151,521,978, T>C on the plus strand (A>G on the coding strand, the complement: FAT2 is on the minus strand). VCF-style: chr5-151521978-T-C. GRCh37 (hg19) VCF-style: chr5-150901539-T-C.
Other names: short protein forms T3539A.
Identifiers: ClinVar variation 2400319 (VCV002400319.5), dbSNP rs752886589, ClinGen allele CA3520201.